The following is an entry in ClinVar:

ClinVar aggregate classification (germline): Uncertain significance (1 of 4 stars; one submission).

gnomAD v4.1: 11 of 1,611,390 alleles (0.00068%); highest among the groups gnomAD compares: East Asian, 0.0067%; no homozygotes.

Submission:

Labcorp Genetics (formerly Invitae), Labcorp
Classification: Uncertain significance. Last evaluated: 2025-07-22. Review status: criteria provided, single submitter. Criteria: Invitae Variant Classification Sherloc (09022015). Collection method: clinical testing. Allele origin: germline.
Comment: This sequence change falls in intron 13 of the TOP1MT gene. It does not directly change the encoded amino acid sequence of the TOP1MT protein. It affects a nucleotide within the consensus splice site. This variant is present in population databases (no rsID available, gnomAD 0.006%). This variant has not been reported in the literature in individuals affected with TOP1MT-related conditions. Variants that disrupt the consensus splice site are a relatively common cause of aberrant splicing (PMID: 17576681, 9536098). Algorithms developed to predict the effect of sequence changes on RNA splicing suggest that this variant is not likely to affect RNA splicing. In summary, the available evidence is currently insufficient to determine the role of this variant in disease. Therefore, it has been classified as a Variant of Uncertain Significance.

Literature cited by the submitters: PubMed 17576681; PubMed 9536098.

NM_052963.3(TOP1MT):c.1703+4C>T

Gene: TOP1MT (DNA topoisomerase I mitochondrial; minus strand). Cytogenetic location: 8q24.3.
Variant type: single nucleotide variant.
Coding change: c.1703+4C>T on transcript NM_052963.3 (MANE Select); 4 bases into the intron after coding-DNA position 1703, C replaced by T.
Molecular consequence: intron variant.
Genome position (GRCh38, 1-based): chr8:143,310,064, G>A on the plus strand (C>T on the coding strand, the complement: TOP1MT is on the minus strand). VCF-style: chr8-143310064-G-A. GRCh37 (hg19) VCF-style: chr8-144392234-G-A.
Other names: c.1409+4C>T (NM_001258447.1, NM_001258446.1).
Identifiers: ClinVar variation 4694765 (VCV004694765.1).